The following is an entry in ClinVar:

NM_006231.4(POLE):c.3695A>C (p.Lys1232Thr)

Gene: POLE (DNA polymerase epsilon, catalytic subunit; minus strand). Cytogenetic location: 12q24.33.
Variant type: single nucleotide variant.
Coding change: c.3695A>C on transcript NM_006231.4 (MANE Select); coding-DNA position 3695, A replaced by C.
Protein change: p.Lys1232Thr; replaces lysine 1232 with threonine.
Molecular consequence: missense variant.
Genome position (GRCh38, 1-based): chr12:132,649,777, T>G on the plus strand (A>C on the coding strand, the complement: POLE is on the minus strand). VCF-style: chr12-132649777-T-G. GRCh37 (hg19) VCF-style: chr12-133226363-T-G.
Other names: c.3695A>C (NM_006231.2); short protein forms K1232T.
Identifiers: ClinVar variation 540684 (VCV000540684.18), dbSNP rs774999422, ClinGen allele CA387386530.

ClinVar aggregate classification (germline): Uncertain significance. Review status: criteria provided, multiple submitters, no conflicts (2 of 4 stars). 4 submissions from 4 submitters: Uncertain significance (4). Last evaluated 2026-01-21.

Conditions:
Hereditary cancer-predisposing syndrome. Also called: Neoplastic Syndromes, Hereditary; Hereditary Cancer Syndrome; Hereditary neoplastic syndrome; Tumor predisposition. Identifiers: Orphanet 140162, MedGen C0027672, MeSH D009386, MONDO:0015356.

Allele frequency attached by ClinVar (database versions not stated): TOPMed below 0.00001; gnomAD 0.00001.
gnomAD v4.1: 18 of 1,614,066 alleles (0.0011%); highest among the groups gnomAD compares: Non-Finnish European, 0.0015%; no homozygotes.

Submissions (4):

Labcorp Genetics (formerly Invitae), Labcorp
Classification: Uncertain significance. Last evaluated: 2026-01-21. Review status: criteria provided, single submitter. Criteria: Invitae Variant Classification Sherloc (09022015). Collection method: clinical testing. Allele origin: germline.
Comment: This sequence change replaces lysine, which is basic and polar, with threonine, which is neutral and polar, at codon 1232 of the POLE protein (p.Lys1232Thr). This variant is present in population databases (no rsID available, gnomAD 0.002%). This variant has not been reported in the literature in individuals affected with POLE-related conditions. ClinVar contains an entry for this variant (Variation ID: 540684). Invitae Evidence Modeling of protein sequence and biophysical properties (such as structural, functional, and spatial information, amino acid conservation, physicochemical variation, residue mobility, and thermodynamic stability) indicates that this missense variant is not expected to disrupt POLE protein function with a negative predictive value of 80%. In summary, the available evidence is currently insufficient to determine the role of this variant in disease. Therefore, it has been classified as a Variant of Uncertain Significance.

Center for Genomic Medicine, Rigshospitalet, Copenhagen University Hospital
Classification: Uncertain significance. Last evaluated: 2025-03-04. Review status: criteria provided, single submitter. Criteria: ACMG Guidelines, 2015. Collection method: clinical testing. Allele origin: germline.

Ambry Genetics
Classification: Uncertain significance for Hereditary cancer-predisposing syndrome. Last evaluated: 2024-12-13. Review status: criteria provided, single submitter. Criteria: Ambry Variant Classification Scheme 2023. Collection method: clinical testing. Allele origin: germline.
Comment: The p.K1232T variant (also known as c.3695A>C), located in coding exon 30 of the POLE gene, results from an A to C substitution at nucleotide position 3695. The lysine at codon 1232 is replaced by threonine, an amino acid with similar properties. This amino acid position is conserved. In addition, this alteration is predicted to be tolerated by in silico analysis. Based on the available evidence, the clinical significance of this variant remains unclear.

GeneDx
Classification: Uncertain significance. Last evaluated: 2024-09-30. Review status: criteria provided, single submitter. Criteria: GeneDx Variant Classification Process June 2021. Collection method: clinical testing. Allele origin: germline. Affected: yes.
Comment: Not observed at significant frequency in large population cohorts (gnomAD); In silico analysis supports that this missense variant has a deleterious effect on protein structure/function; Has not been previously published as pathogenic or benign to our knowledge